The following is an entry in ClinVar:

NM_000218.3(KCNQ1):c.2020G>A (p.Glu674Lys)

Genes: KCNQ1 (potassium voltage-gated channel subfamily Q member 1; plus strand), KCNQ1-AS1 (KCNQ1 antisense RNA 1; minus strand). Cytogenetic location: 11p15.4.
Variant type: single nucleotide variant.
Coding change: c.2020G>A on transcript NM_000218.3 (MANE Select); coding-DNA position 2020, G replaced by A.
Protein change: p.Glu674Lys; replaces glutamic acid 674 with lysine.
Molecular consequence: missense variant.
Genome position (GRCh38, 1-based): chr11:2,847,992, G>A. VCF-style: chr11-2847992-G-A. GRCh37 (hg19) VCF-style: chr11-2869222-G-A.
Other names: c.1924G>A, p.Glu642Lys (NM_001406836.1); c.1750G>A, p.Glu584Lys (NM_001406837.1); c.1480G>A, p.Glu494Lys (NM_001406838.1); c.532G>A, p.Glu178Lys (NM_001406839.1); c.1639G>A, p.Glu547Lys (NM_181798.2); short protein forms E547K, E674K, E494K, E584K, E178K, E642K.
Identifiers: ClinVar variation 1172315 (VCV001172315.10), dbSNP rs762122463, ClinGen allele CA034257.

ClinVar aggregate classification (germline): Uncertain significance. Review status: criteria provided, multiple submitters, no conflicts (2 of 4 stars). 3 submissions from 3 submitters: Uncertain significance (3). Last evaluated 2024-01-11.

Conditions:
Long QT syndrome (LQTS). Identifiers: MedGen C0023976, MeSH D008133, MONDO:0002442. Disease mechanism: loss of function. Inheritance: Various modes of inheritance.
Cardiac arrhythmia. Also called: Arrhythmia; Cardiac rhythm disease. Identifiers: MedGen C0003811, MONDO:0007263, HP:0011675.

Allele frequency attached by ClinVar (database versions not stated): TOPMed 0.00001; gnomAD exomes 0.00001; gnomAD 0.00002; ExAC 0.00007.
gnomAD v4.1: 14 of 1,538,908 alleles (0.00091%); highest among the groups gnomAD compares: East Asian, 0.0024%; no homozygotes.

Submissions (3):

All of Us Research Program, National Institutes of Health
Classification: Uncertain significance for Long QT syndrome. Last evaluated: 2024-01-11. Review status: criteria provided, single submitter. Criteria: ACMG Guidelines, 2015. Collection method: clinical testing. Allele origin: germline. Inheritance: Autosomal dominant inheritance. Observed: 2 variant alleles, 2 heterozygotes.
Comment: This missense variant replaces glutamic acid with lysine at codon 674 of the KCNQ1 protein. Computational prediction is inconclusive regarding the impact of this variant on protein structure and function (internally defined REVEL score threshold 0.5 < inconclusive < 0.7, PMID: 27666373). This variant is found within a highly conserved c-terminal cytoplasmic domain (a.a. 349-676). Rare non-truncating variants in this region have been shown to be significantly overrepresented in individuals with long QT syndrome (PMID: 32893267). To our knowledge, functional studies have not been reported for this variant. This variant has been reported an individual affected with Loey-Dietz syndrome carrying a de novo TGFBR2 variant (PMID: 32528524). This variant has been identified in 1/147396 chromosomes in the general population by the Genome Aggregation Database (gnomAD). The available evidence is insufficient to determine the role of this variant in disease conclusively. Therefore, this variant is classified as a Variant of Uncertain Significance.

This study involves interpretation of variants in research participants for the purpose of population health screening. Participant phenotype was not available at the time of variant classification. Additional details can be found in publication PMID: 35346344, PMCID: PMC8962531

Color Diagnostics, LLC DBA Color Health
Classification: Uncertain significance for Cardiac arrhythmia. Last evaluated: 2023-09-15. Review status: criteria provided, single submitter. Criteria: ACMG Guidelines, 2015. Collection method: clinical testing. Allele origin: germline.
Comment: This missense variant replaces glutamic acid with lysine at codon 674 of the KCNQ1 protein. Computational prediction is inconclusive regarding the impact of this variant on protein structure and function (internally defined REVEL score threshold 0.5 < inconclusive < 0.7, PMID: 27666373). This variant is found within a highly conserved c-terminal cytoplasmic domain (a.a. 349-676). Rare non-truncating variants in this region have been shown to be significantly overrepresented in individuals with long QT syndrome (PMID: 32893267). To our knowledge, functional studies have not been reported for this variant. This variant has been reported an individual affected with Loey-Dietz syndrome carrying a de novo TGFBR2 variant (PMID: 32528524). This variant has been identified in 1/147396 chromosomes in the general population by the Genome Aggregation Database (gnomAD). The available evidence is insufficient to determine the role of this variant in disease conclusively. Therefore, this variant is classified as a Variant of Uncertain Significance.

Labcorp Genetics (formerly Invitae), Labcorp
Classification: Uncertain significance for Long QT syndrome. Last evaluated: 2021-12-26. Review status: criteria provided, single submitter. Criteria: Invitae Variant Classification Sherloc (09022015). Collection method: clinical testing. Allele origin: germline.
Comment: This sequence change replaces glutamic acid, which is acidic and polar, with lysine, which is basic and polar, at codon 674 of the KCNQ1 protein (p.Glu674Lys). This variant is not present in population databases (gnomAD no frequency). This variant has not been reported in the literature in individuals affected with KCNQ1-related conditions. ClinVar contains an entry for this variant (Variation ID: 1172315). Algorithms developed to predict the effect of missense changes on protein structure and function output the following: SIFT: "Tolerated"; PolyPhen-2: "Benign"; Align-GVGD: "Class C0". The lysine amino acid residue is found in multiple mammalian species, which suggests that this missense change does not adversely affect protein function. In summary, the available evidence is currently insufficient to determine the role of this variant in disease. Therefore, it has been classified as a Variant of Uncertain Significance.

Literature cited by the submitters: PubMed 32528524 (cited by All of Us Research Program, National Institutes of Health and Color Diagnostics, LLC DBA Color Health); PubMed 32893267 (cited by All of Us Research Program, National Institutes of Health and Color Diagnostics, LLC DBA Color Health).